The following is an entry in ClinVar:

NM_004181.5(UCHL1):c.106G>A (p.Glu36Lys)

Gene: UCHL1 (ubiquitin C-terminal hydrolase L1; plus strand). Cytogenetic location: 4p13.
Variant type: single nucleotide variant.
Coding change: c.106G>A on transcript NM_004181.5 (MANE Select); coding-DNA position 106, G replaced by A.
Protein change: p.Glu36Lys; replaces glutamic acid 36 with lysine.
Molecular consequence: missense variant.
Genome position (GRCh38, 1-based): chr4:41,257,669, G>A. VCF-style: chr4-41257669-G-A. GRCh37 (hg19) VCF-style: chr4-41259686-G-A.
Other names: short protein forms E36K.
Identifiers: ClinVar variation 2106567 (VCV002106567.4), dbSNP rs2551922159, ClinGen allele CA356731691.

ClinVar aggregate classification (germline): Uncertain significance (1 of 4 stars; one submission).

Submission:

Labcorp Genetics (formerly Invitae), Labcorp
Classification: Uncertain significance. Last evaluated: 2025-09-02. Review status: criteria provided, single submitter. Criteria: Invitae Variant Classification Sherloc (09022015). Collection method: clinical testing. Allele origin: germline.
Comment: This sequence change replaces glutamic acid, which is acidic and polar, with lysine, which is basic and polar, at codon 36 of the UCHL1 protein (p.Glu36Lys). This variant is not present in population databases (gnomAD no frequency). This variant has not been reported in the literature in individuals affected with UCHL1-related conditions. ClinVar contains an entry for this variant (Variation ID: 2106567). An algorithm developed to predict the effect of missense changes on protein structure and function (PolyPhen-2) suggests that this variant is likely to be tolerated. In summary, the available evidence is currently insufficient to determine the role of this variant in disease. Therefore, it has been classified as a Variant of Uncertain Significance.